The following is an entry in ClinVar:

NM_031475.3(ESPN):c.398C>T (p.Ala133Val)

Gene: ESPN (espin; plus strand). Cytogenetic location: 1p36.31.
Variant type: single nucleotide variant.
Coding change: c.398C>T on transcript NM_031475.3 (MANE Select); coding-DNA position 398, C replaced by T.
Protein change: p.Ala133Val; replaces alanine 133 with valine.
Molecular consequence: missense variant.
Genome position (GRCh38, 1-based): chr1:6,428,329, C>T. VCF-style: chr1-6428329-C-T. GRCh37 (hg19) VCF-style: chr1-6488389-C-T.
Other names: c.398C>T, p.Ala133Val (NM_001367473.1, NM_001367474.1); short protein forms A133V.
Identifiers: ClinVar variation 1308063 (VCV001308063.7), dbSNP rs113467202, ClinGen allele CA559879.

ClinVar aggregate classification (germline): Conflicting classifications of pathogenicity. Review status: criteria provided, conflicting classifications (1 of 4 stars). 3 submissions from 3 submitters: Uncertain significance (2); Likely benign (1). Last evaluated 2024-09-26.

Conditions:
Inborn genetic diseases. Identifiers: MedGen C0950123, MeSH D030342.

Allele frequency attached by ClinVar (database versions not stated): gnomAD exomes 0.00003 and 0.00005; ExAC 0.00005; TOPMed 0.00013; gnomAD 0.00015 and 0.00016.
gnomAD v4.1: 65 of 1,612,866 alleles (0.004%); highest among the groups gnomAD compares: African/African-American, 0.048%; no homozygotes.

Submissions (3):

GeneDx
Classification: Uncertain significance. Last evaluated: 2024-09-26. Review status: criteria provided, single submitter. Criteria: GeneDx Variant Classification Process June 2021. Collection method: clinical testing. Allele origin: germline. Affected: yes.
Comment: In silico analysis indicates that this missense variant does not alter protein structure/function; Has not been previously published as pathogenic or benign to our knowledge

Blueprint Genetics
Classification: Uncertain significance. Last evaluated: 2024-04-12. Review status: criteria provided, single submitter. Criteria: ACMG Guidelines, 2015. Collection method: clinical testing. Allele origin: germline.

Ambry Genetics
Classification: Likely benign for Inborn genetic diseases. Last evaluated: 2021-08-13. Review status: criteria provided, single submitter. Criteria: Ambry Variant Classification Scheme 2023. Collection method: clinical testing. Allele origin: germline.